The following is an entry in ClinVar:

ClinVar aggregate classification (germline): Uncertain significance (1 of 4 stars; one submission).

Submission:

Labcorp Genetics (formerly Invitae), Labcorp
Classification: Uncertain significance. Last evaluated: 2024-10-16. Review status: criteria provided, single submitter. Criteria: Invitae Variant Classification Sherloc (09022015). Collection method: clinical testing. Allele origin: germline.
Comment: This variant, c.114_116del, results in the deletion of 1 amino acid(s) of the HPS1 protein (p.Glu39del), but otherwise preserves the integrity of the reading frame. This variant is present in population databases (no rsID available, gnomAD 0.004%). This variant has not been reported in the literature in individuals affected with HPS1-related conditions. Experimental studies and prediction algorithms are not available or were not evaluated, and the functional significance of this variant is currently unknown. In summary, the available evidence is currently insufficient to determine the role of this variant in disease. Therefore, it has been classified as a Variant of Uncertain Significance.

NM_000195.5(HPS1):c.111AGA[1] (p.Glu39del)

Gene: HPS1 (HPS1 biogenesis of lysosomal organelles complex 3 subunit 1; minus strand). Cytogenetic location: 10q24.2.
Variant type: Microsatellite.
Coding change: c.111AGA[1] on transcript NM_000195.5 (MANE Select); one copy of the 3-base unit AGA starting at c.111; the reference has two copies in a row; one copy, 3 bases deleted.
Protein change: p.Glu39del; deletes glutamic acid 39.
Molecular consequence: inframe deletion. On other transcripts: 5 prime UTR variant (6).
Genome position (GRCh38, 1-based): chr10:98,443,125-98,443,127, TCT deleted on the plus strand (AGA on the coding strand, the reverse complement: HPS1 is on the minus strand); deleting any 3 consecutive bases within chr10:98,443,125-98,443,132 gives the same sequence; the position shown is the placement nearest the transcript's 3' end. VCF-style (leftmost placement, unchanged base first): chr10-98443124-CTCT-C. GRCh37 (hg19) VCF-style: chr10-100202881-CTCT-C.
Other names: c.-806AGA[1] (NM_001311345.2); c.111AGA[1], p.Glu39del (NM_001322476.2, NM_001322477.2, NM_001322478.2 and 8 more transcripts); c.-116AGA[1] (NM_001322483.2, NM_001322484.2, NM_001322485.2); c.-905AGA[1] (NM_001322487.2); c.-663AGA[1] (NM_001322489.2); short protein forms E39del.
Identifiers: ClinVar variation 1922104 (VCV001922104.4), dbSNP rs1490720309, ClinGen allele CA595433640.